The following is an entry in ClinVar:

ClinVar aggregate classification (germline): Conflicting classifications of pathogenicity. Review status: criteria provided, conflicting classifications (1 of 4 stars). 2 submissions from 2 submitters: Uncertain significance (1); Likely benign (1). Last evaluated 2026-02-09.

Conditions:
Inborn genetic diseases. Identifiers: MedGen C0950123, MeSH D030342.
Familial focal epilepsy with variable foci (FPEVF). Identifiers: Orphanet 98820, MedGen C1858477, MONDO:0020310.

Allele frequency attached by ClinVar (database versions not stated): gnomAD exomes 0.00002; gnomAD 0.00003 and 0.00004; TOPMed 0.00003.
gnomAD v4.1: 30 of 1,612,550 alleles (0.0019%); highest among the groups gnomAD compares: Non-Finnish European, 0.0025%; no homozygotes.

Submissions (2):

Ambry Genetics
Classification: Likely benign for Inborn genetic diseases. Last evaluated: 2026-02-09. Review status: criteria provided, single submitter. Criteria: Ambry Variant Classification Scheme 2023. Collection method: clinical testing. Allele origin: germline.

Labcorp Genetics (formerly Invitae), Labcorp
Classification: Uncertain significance for Familial focal epilepsy with variable foci. Last evaluated: 2022-09-27. Review status: criteria provided, single submitter. Criteria: Invitae Variant Classification Sherloc (09022015). Collection method: clinical testing. Allele origin: germline.
Comment: This sequence change replaces alanine, which is neutral and non-polar, with valine, which is neutral and non-polar, at codon 1392 of the DEPDC5 protein (p.Ala1392Val). In summary, the available evidence is currently insufficient to determine the role of this variant in disease. Therefore, it has been classified as a Variant of Uncertain Significance. Algorithms developed to predict the effect of missense changes on protein structure and function are either unavailable or do not agree on the potential impact of this missense change (SIFT: "Tolerated"; PolyPhen-2: "Not Available"; Align-GVGD: "Class C0"). ClinVar contains an entry for this variant (Variation ID: 521725). This missense change has been observed in individual(s) with generalized epilepsy (PMID: 30093711). This variant is present in population databases (no rsID available, gnomAD 0.0008%).

Literature cited by the submitters: PubMed 30093711 (cited by Labcorp Genetics (formerly Invitae), Labcorp).

NM_001242896.3(DEPDC5):c.4175C>T (p.Ala1392Val)

Gene: DEPDC5 (DEP domain containing 5, GATOR1 subcomplex subunit; plus strand). Cytogenetic location: 22q12.3.
Variant type: single nucleotide variant.
Coding change: c.4175C>T on transcript NM_001242896.3 (MANE Select); coding-DNA position 4175, C replaced by T.
Protein change: p.Ala1392Val; replaces alanine 1392 with valine.
Molecular consequence: missense variant. On other transcripts: non-coding transcript variant (5).
Genome position (GRCh38, 1-based): chr22:31,893,723, C>T. VCF-style: chr22-31893723-C-T. GRCh37 (hg19) VCF-style: chr22-32289709-C-T.
Other names: c.4148C>T, p.Ala1383Val (NM_001136029.4); c.3875C>T, p.Ala1292Val (NM_001242897.2); c.4109C>T, p.Ala1370Val (NM_001363852.2, NM_001364320.2); c.3941C>T, p.Ala1314Val (NM_001363854.2, NM_001364319.2); c.4175C>T, p.Ala1392Val (NM_001364318.2); c.4091C>T, p.Ala1364Val (NM_001369901.1, NM_001369902.1); c.4082C>T, p.Ala1361Val (NM_001369903.1, NM_014662.6); short protein forms A1292V, A1392V, A1383V, A1314V, A1361V, A1364V, A1370V.
Identifiers: ClinVar variation 521725 (VCV000521725.11), dbSNP rs1420107846, ClinGen allele CA411287373.